The following is an entry in ClinVar:

NM_001377229.1(DISP1):c.179G>T (p.Gly60Val)

Gene: DISP1 (dispatched RND transporter family member 1; plus strand). Cytogenetic location: 1q41.
Variant type: single nucleotide variant.
Coding change: c.179G>T on transcript NM_001377229.1 (MANE Select); coding-DNA position 179, G replaced by T.
Protein change: p.Gly60Val; replaces glycine 60 with valine.
Molecular consequence: missense variant. On other transcripts: 5 prime UTR variant (1).
Genome position (GRCh38, 1-based): chr1:222,943,002, G>T. VCF-style: chr1-222943002-G-T. GRCh37 (hg19) VCF-style: chr1-223116344-G-T.
Other names: c.-709G>T (NM_001350630.2); c.179G>T, p.Gly60Val (NM_001369594.1, NM_001377228.1, NM_032890.5); short protein forms G60V.
Identifiers: ClinVar variation 2688936 (VCV002688936.5), dbSNP rs201903516, ClinGen allele CA1408753.
Genomic context (GRCh38, chr1:222,943,002, plus strand): 5'-TCACACCCAAAGAAGCAACAAGAACAAAAGTGAGTCCAAATGGATGCCTGCAACTTAATG[G>T]CACGGTCAAATCATCCTTTCTGCCTTTAGACAACCAAAGAATGCCTCAGATGTTACCCCA-3'
Protein context (NP_001364158.1, residues 50-70): VSPNGCLQLN[Gly60Val]TVKSSFLPLD

ClinVar aggregate classification (germline): Uncertain significance. Review status: criteria provided, multiple submitters, no conflicts (2 of 4 stars). 2 submissions from 2 submitters: Uncertain significance (2). Last evaluated 2024-04-11.

Allele frequency attached by ClinVar (database versions not stated): ExAC 0.00001; gnomAD exomes 0.00001; gnomAD 0.00005; TOPMed 0.00006; ESP Exome Variant Server 0.00008; 1000 Genomes Project 30x 0.00031; 1000 Genomes Project 0.00040.
gnomAD v4.1: 18 of 1,614,146 alleles (0.0011%); highest among the groups gnomAD compares: African/African-American, 0.017%; no homozygotes.

Submissions (2):

Labcorp Genetics (formerly Invitae), Labcorp
Classification: Uncertain significance. Last evaluated: 2024-04-11. Review status: criteria provided, single submitter. Criteria: Invitae Variant Classification Sherloc (09022015). Collection method: clinical testing. Allele origin: germline.
Comment: This sequence change replaces glycine, which is neutral and non-polar, with valine, which is neutral and non-polar, at codon 60 of the DISP1 protein (p.Gly60Val). This variant is present in population databases (rs201903516, gnomAD 0.01%). This variant has not been reported in the literature in individuals affected with DISP1-related conditions. An algorithm developed to predict the effect of missense changes on protein structure and function (PolyPhen-2) suggests that this variant is likely to be disruptive. In summary, the available evidence is currently insufficient to determine the role of this variant in disease. Therefore, it has been classified as a Variant of Uncertain Significance.

Revvity Omics, Revvity
Classification: Uncertain significance. Last evaluated: 2022-06-24. Review status: criteria provided, single submitter. Criteria: ACMG Guidelines, 2015. Collection method: clinical testing. Allele origin: germline.